The following is an entry in ClinVar:

ClinVar aggregate classification (germline): Pathogenic (1 of 4 stars; one submission).

Allele frequency attached by ClinVar (database versions not stated): TOPMed 0.00001; ExAC 0.00001; gnomAD 0.00001; gnomAD exomes 0.00001.
gnomAD v4.1: 5 of 1,606,056 alleles (0.00031%); highest among the groups gnomAD compares: Non-Finnish European, 0.00042%; no homozygotes.

Submission:

Labcorp Genetics (formerly Invitae), Labcorp
Classification: Pathogenic. Last evaluated: 2024-01-17. Review status: criteria provided, single submitter. Criteria: Invitae Variant Classification Sherloc (09022015). Collection method: clinical testing. Allele origin: germline.
Comment: This sequence change creates a premature translational stop signal (p.Trp727*) in the ADAMTSL4 gene. It is expected to result in an absent or disrupted protein product. Loss-of-function variants in ADAMTSL4 are known to be pathogenic (PMID: 20564469, 28642162). This variant is present in population databases (rs781497103, gnomAD 0.001%). This variant has not been reported in the literature in individuals affected with ADAMTSL4-related conditions. For these reasons, this variant has been classified as Pathogenic.

Literature cited by the submitters: PubMed 20564469; PubMed 28642162.

NM_019032.6(ADAMTSL4):c.2180G>A (p.Trp727Ter)

Gene: ADAMTSL4 (ADAMTS like 4; plus strand). Cytogenetic location: 1q21.2.
Variant type: single nucleotide variant.
Coding change: c.2180G>A on transcript NM_019032.6 (MANE Select); coding-DNA position 2180, G replaced by A.
Protein change: p.Trp727Ter; replaces tryptophan 727 with a stop codon.
Molecular consequence: nonsense.
Genome position (GRCh38, 1-based): chr1:150,557,947, G>A. VCF-style: chr1-150557947-G-A. GRCh37 (hg19) VCF-style: chr1-150530423-G-A.
Other names: c.2063G>A, p.Trp688Ter (NM_001288607.2); c.2249G>A, p.Trp750Ter (NM_001288608.2); c.2180G>A, p.Trp727Ter (NM_001378596.1, NM_025008.5); short protein forms W688*, W727*, W750*.
Identifiers: ClinVar variation 2984578 (VCV002984578.3), dbSNP rs781497103, ClinGen allele CA1078577.